The following is an entry in ClinVar:

NM_001375405.1(CEP120):c.2753A>T (p.Tyr918Phe)

Gene: CEP120 (centrosomal protein 120; minus strand). Cytogenetic location: 5q23.2.
Variant type: single nucleotide variant.
Coding change: c.2753A>T on transcript NM_001375405.1 (MANE Select); coding-DNA position 2753, A replaced by T.
Protein change: p.Tyr918Phe; replaces tyrosine 918 with phenylalanine.
Molecular consequence: missense variant. On other transcripts: 3 prime UTR variant (1), non-coding transcript variant (1).
Genome position (GRCh38, 1-based): chr5:123,346,727, T>A on the plus strand (A>T on the coding strand, the complement: CEP120 is on the minus strand). VCF-style: chr5-123346727-T-A. GRCh37 (hg19) VCF-style: chr5-122682421-T-A.
Other names: c.2675A>T, p.Tyr892Phe (NM_001166226.2); c.2618A>T, p.Tyr873Phe (NM_001375406.1); c.*22A>T (NM_001375407.1); c.2180A>T, p.Tyr727Phe (NM_001375408.1, NM_001375409.1); c.2753A>T, p.Tyr918Phe (NM_153223.4); short protein forms Y918F, Y873F, Y727F, Y892F.
Identifiers: ClinVar variation 2045015 (VCV002045015.4), dbSNP rs2479647712, ClinGen allele CA360894242.

ClinVar aggregate classification (germline): Uncertain significance (1 of 4 stars; one submission).

Conditions:
Short-rib thoracic dysplasia 13 with or without polydactyly (SRTD13). Identifiers: Orphanet 474, MedGen C4225378, MONDO:0014577, OMIM 616300.

Submission:

Labcorp Genetics (formerly Invitae), Labcorp
Classification: Uncertain significance for Short-rib thoracic dysplasia 13 with or without polydactyly. Last evaluated: 2022-05-27. Review status: criteria provided, single submitter. Criteria: Invitae Variant Classification Sherloc (09022015). Collection method: clinical testing. Allele origin: germline.
Comment: In summary, the available evidence is currently insufficient to determine the role of this variant in disease. Therefore, it has been classified as a Variant of Uncertain Significance. Algorithms developed to predict the effect of missense changes on protein structure and function output the following: SIFT: "Tolerated"; PolyPhen-2: "Benign"; Align-GVGD: "Class C0". The phenylalanine amino acid residue is found in multiple mammalian species, which suggests that this missense change does not adversely affect protein function. This variant has not been reported in the literature in individuals affected with CEP120-related conditions. This variant is not present in population databases (gnomAD no frequency). This sequence change replaces tyrosine, which is neutral and polar, with phenylalanine, which is neutral and non-polar, at codon 918 of the CEP120 protein (p.Tyr918Phe).